The following is an entry in ClinVar:

ClinVar aggregate classification (germline): Uncertain significance (1 of 4 stars; one submission).

Conditions:
Inborn genetic diseases. Identifiers: MedGen C0950123, MeSH D030342.

Submission:

Ambry Genetics
Classification: Uncertain significance for Inborn genetic diseases. Last evaluated: 2025-03-29. Review status: criteria provided, single submitter. Criteria: Ambry Variant Classification Scheme 2023. Collection method: clinical testing. Allele origin: germline.
Comment: The p.F260L variant (also known as c.778T>C), located in coding exon 7 of the USB1 gene, results from a T to C substitution at nucleotide position 778. The phenylalanine at codon 260 is replaced by leucine, an amino acid with highly similar properties. This amino acid position is conserved. In addition, the in silico prediction for this alteration is inconclusive. Based on the available evidence, the clinical significance of this variant remains unclear.

NM_024598.4(USB1):c.778T>C (p.Phe260Leu)

Gene: USB1 (U6 snRNA biogenesis phosphodiesterase 1; plus strand). Cytogenetic location: 16q21.
Variant type: single nucleotide variant.
Coding change: c.778T>C on transcript NM_024598.4 (MANE Select); coding-DNA position 778, T replaced by C.
Protein change: p.Phe260Leu; replaces phenylalanine 260 with leucine.
Molecular consequence: missense variant.
Genome position (GRCh38, 1-based): chr16:58,020,225, T>C. VCF-style: chr16-58020225-T-C. GRCh37 (hg19) VCF-style: chr16-58054129-T-C.
Other names: c.724T>C, p.Phe242Leu (NM_001195302.2); c.625T>C, p.Phe209Leu (NM_001330568.2); short protein forms F260L, F209L, F242L.
Identifiers: ClinVar variation 3978144 (VCV003978144.1).
Genomic context (GRCh38, chr16:58,020,225, plus strand): 5'-GCTGAGGTGCTGCTGCGCGTGCACACTGAGCAAGTCCGCTGCAAGTCTGGGAACAAGTTC[T>C]TCTCGATGCCTTTGAAGTGAGCACCAGAGGCCTTCCTCCTCCAGGGCCCTCTGCAGACCA-3'
Protein context (NP_078874.2, residues 250-265): QVRCKSGNKF[Phe260Leu]SMPLK